The following is an entry in ClinVar:

NM_018149.7(SMG8):c.680T>G (p.Phe227Cys)

Gene: SMG8 (SMG8 nonsense mediated mRNA decay factor; plus strand). Cytogenetic location: 17q22.
Variant type: single nucleotide variant.
Coding change: c.680T>G on transcript NM_018149.7 (MANE Select); coding-DNA position 680, T replaced by G.
Protein change: p.Phe227Cys; replaces phenylalanine 227 with cysteine.
Molecular consequence: missense variant.
Genome position (GRCh38, 1-based): chr17:59,210,731, T>G. VCF-style: chr17-59210731-T-G. GRCh37 (hg19) VCF-style: chr17-57288092-T-G.
Other names: c.680T>G (NM_018149.6); short protein forms F227C.
Identifiers: ClinVar variation 2060063 (VCV002060063.5), dbSNP rs1460427478, ClinGen allele CA400392737.
Genomic context (GRCh38, chr17:59,210,731, plus strand): 5'-GTCATATCTTGCTTCTGGTCCATCCCACTTGTTCCTTTGATATCACTTATGATCGAGTAT[T>G]CAGAGCCCTGGATGGGCTGAGACAGAAGGTCCTGCCGCTCCTTAAAACAGCCATTAAGGA-3'
Protein context (NP_060619.4, residues 217-237): CSFDITYDRV[Phe227Cys]RALDGLRQKV

ClinVar aggregate classification (germline): Uncertain significance. Review status: criteria provided, multiple submitters, no conflicts (2 of 4 stars). 2 submissions from 2 submitters: Uncertain significance (2). Last evaluated 2024-05-07.

Conditions:
Inborn genetic diseases. Identifiers: MedGen C0950123, MeSH D030342.

Allele frequency attached by ClinVar (database versions not stated): gnomAD 0.00001; gnomAD exomes 0.00001; TOPMed 0.00003.
gnomAD v4.1: 4 of 1,613,922 alleles (0.00025%); highest among the groups gnomAD compares: Non-Finnish European, 0.00034%; no homozygotes.

Submissions (2):

Ambry Genetics
Classification: Uncertain significance for Inborn genetic diseases. Last evaluated: 2024-05-07. Review status: criteria provided, single submitter. Criteria: Ambry Variant Classification Scheme 2023. Collection method: clinical testing. Allele origin: germline.
Comment: The c.680T>G (p.F227C) alteration is located in exon 1 (coding exon 1) of the SMG8 gene. This alteration results from a T to G substitution at nucleotide position 680, causing the phenylalanine (F) at amino acid position 227 to be replaced by a cysteine (C). Based on data from gnomAD, the G allele has an overall frequency of <0.001% (1/251312) total alleles studied. The highest observed frequency was 0.001% (1/113678) of European (non-Finnish) alleles. This amino acid position is highly conserved in available vertebrate species. This alteration is predicted to be deleterious by in silico analysis. Based on insufficient or conflicting evidence, the clinical significance of this alteration remains unclear.

Labcorp Genetics (formerly Invitae), Labcorp
Classification: Uncertain significance. Last evaluated: 2022-07-26. Review status: criteria provided, single submitter. Criteria: Invitae Variant Classification Sherloc (09022015). Collection method: clinical testing. Allele origin: germline.
Comment: This variant is present in population databases (no rsID available, gnomAD 0.0009%). In summary, the available evidence is currently insufficient to determine the role of this variant in disease. Therefore, it has been classified as a Variant of Uncertain Significance. Algorithms developed to predict the effect of missense changes on protein structure and function (SIFT, PolyPhen-2, Align-GVGD) all suggest that this variant is likely to be disruptive. This variant has not been reported in the literature in individuals affected with SMG8-related conditions. This sequence change replaces phenylalanine, which is neutral and non-polar, with cysteine, which is neutral and slightly polar, at codon 227 of the SMG8 protein (p.Phe227Cys).